The following is an entry in ClinVar:

ClinVar aggregate classification (germline): Uncertain significance. Review status: criteria provided, single submitter (1 of 4 stars). 2 submissions from 2 submitters: Uncertain significance (1). 1 of the submissions does not count toward it. Last evaluated 2017-09-12.

Conditions:
HSD3B7-related disorder. Also called: HSD3B7-related condition.

Allele frequency attached by ClinVar (database versions not stated): gnomAD 0.00007 and 0.00009; TOPMed 0.00009; gnomAD exomes 0.00017; ExAC 0.00033.
gnomAD v4.1: 154 of 1,592,190 alleles (0.0097%); highest among the groups gnomAD compares: Middle Eastern, 0.066%; no homozygotes.

Submissions (2):

Eurofins Ntd Llc (ga)
Classification: Uncertain significance. Last evaluated: 2017-09-12. Review status: criteria provided, single submitter. Criteria: EGL Classification Definitions 2015. Collection method: clinical testing. Allele origin: germline. Observed: 1 variant allele, 1 heterozygote.

PreventionGenetics, part of Exact Sciences
Classification: Likely benign for HSD3B7-related condition. Last evaluated: 2023-01-18. Review status: no assertion criteria provided. Collection method: clinical testing. Allele origin: germline. Not counted in ClinVar's aggregate classification.
Comment: This variant is classified as likely benign based on ACMG/AMP sequence variant interpretation guidelines (Richards et al. 2015 PMID: 25741868, with internal and published modifications).

NM_025193.4(HSD3B7):c.*1C>T

Gene: HSD3B7 (hydroxy-delta-5-steroid dehydrogenase, 3 beta- and steroid delta-isomerase 7; plus strand). Cytogenetic location: 16p11.2.
Variant type: single nucleotide variant.
Coding change: c.*1C>T on transcript NM_025193.4 (MANE Select); 1 bases downstream of the stop codon, C replaced by T.
Molecular consequence: 3 prime UTR variant.
Genome position (GRCh38, 1-based): chr16:30,988,184, C>T. VCF-style: chr16-30988184-C-T. GRCh37 (hg19) VCF-style: chr16-30999505-C-T.
Other names: c.*357C>T (NM_001142777.2, NM_001142778.2); c.*1C>T (NM_025193.3).
Identifiers: ClinVar variation 594051 (VCV000594051.7), dbSNP rs781013516, ClinGen allele CA8018187.